The following is an entry in ClinVar:

NM_000059.4(BRCA2):c.8363G>A (p.Trp2788Ter)

Gene: BRCA2 (BRCA2 DNA repair associated; plus strand). Cytogenetic location: 13q13.1.
Variant type: single nucleotide variant.
Coding change: c.8363G>A on transcript NM_000059.4 (MANE Select); coding-DNA position 8363, G replaced by A.
Protein change: p.Trp2788Ter; replaces tryptophan 2788 with a stop codon.
Molecular consequence: nonsense.
Genome position (GRCh38, 1-based): chr13:32,370,433, G>A. VCF-style: chr13-32370433-G-A. GRCh37 (hg19) VCF-style: chr13-32944570-G-A.
Other names: short protein forms W2788*.
Identifiers: ClinVar variation 52564 (VCV000052564.24), dbSNP rs80359080, ClinGen allele CA025603.

ClinVar aggregate classification (germline): Pathogenic. Review status: reviewed by expert panel (3 of 4 stars). 11 submissions from 11 submitters: Pathogenic (1). 10 of the submissions do not count toward it. Last evaluated 2016-09-08.

Conditions:
Hereditary cancer-predisposing syndrome. Also called: Hereditary Cancer Syndrome; Tumor predisposition; Neoplastic Syndromes, Hereditary; Hereditary neoplastic syndrome. Identifiers: Orphanet 140162, MedGen C0027672, MeSH D009386, MONDO:0015356.
Hereditary breast ovarian cancer syndrome. Also called: Breast and ovarian cancer; Hereditary breast and ovarian cancer syndrome; BRCA1- and BRCA2-Associated Hereditary Breast and Ovarian Cancer; Hereditary breast and ovarian cancer; Hereditary breast and ovarian cancer syndrome (HBOC); Hereditary breast and/or ovarian cancer syndrome. Identifiers: Orphanet 145, MedGen C0677776, MeSH D061325, MONDO:0003582. Disease mechanism: loss of function.
Malignant tumor of urinary bladder. Also called: Urinary Bladder Neoplasms; Bladder cancer; Urinary bladder cancer. Identifiers: MedGen C0005684, MONDO:0001187, OMIM 109800.
Breast-ovarian cancer, familial, susceptibility to, 2 (BROVCA2). Also called: BRCA2 Hereditary Breast and Ovarian Cancer. Identifiers: Orphanet 145, MedGen C2675520, MONDO:0012933, OMIM 612555. Disease mechanism: loss of function.
Breast and/or ovarian cancer. Identifiers: MedGen CN221562.

gnomAD v4.1: 1 of 1,613,868 alleles (0.000062%); highest among the groups gnomAD compares: Non-Finnish European, 0.000085%; no homozygotes.

Submissions (11):

Evidence-based Network for the Interpretation of Germline Mutant Alleles (ENIGMA)
Classification: Pathogenic for Breast-ovarian cancer, familial, susceptibility to, 2. Last evaluated: 2016-09-08. Review status: reviewed by expert panel. Criteria: ENIGMA BRCA1/2 Classification Criteria (2015). Collection method: curation. Allele origin: germline.
Comment: Variant allele predicted to encode a truncated non-functional protein.

Mayo Clinic Laboratories, Mayo Clinic
Classification: Pathogenic. Last evaluated: 2025-11-21. Review status: criteria provided, single submitter. Criteria: ACMG Guidelines, 2015. Collection method: clinical testing. Allele origin: germline. Observed: 2 variant alleles. Not counted in ClinVar's aggregate classification.
Comment: PM2_supporting, PM5_strong, PVS1

Ambry Genetics
Classification: Pathogenic for Hereditary cancer-predisposing syndrome. Last evaluated: 2025-06-07. Review status: criteria provided, single submitter. Criteria: Ambry Variant Classification Scheme 2023. Collection method: clinical testing. Allele origin: germline. Not counted in ClinVar's aggregate classification.
Comment: The p.W2788* pathogenic mutation (also known as c.8363G>A), located in coding exon 18 of the BRCA2 gene, results from a G to A substitution at nucleotide position 8363. This changes the amino acid from a tryptophan to a stop codon within coding exon 18. This alteration has been reported in multiple high-risk breast and/or ovarian cancer families (Machackova E et al. BMC Cancer, 2008 May;8:140; Janaviius R et al. Cancer Genet, 2014 May;207:195-205; Polsler L et al. Eur. J. Hum. Genet. 2016 Feb;24(2):258-62) and has been reported to be a common BRCA2 mutation in Austria (Janaviius R. EPMA J, 2010 Sep;1:397-412). In addition to the clinical data presented in the literature, this alteration is expected to result in loss of function by premature protein truncation or nonsense-mediated mRNA decay. As such, this alteration is interpreted as a disease-causing mutation.

Labcorp Genetics (formerly Invitae), Labcorp
Classification: Pathogenic for Hereditary breast ovarian cancer syndrome. Last evaluated: 2024-09-29. Review status: criteria provided, single submitter. Criteria: Invitae Variant Classification Sherloc (09022015). Collection method: clinical testing. Allele origin: germline. Not counted in ClinVar's aggregate classification.
Comment: This sequence change creates a premature translational stop signal (p.Trp2788*) in the BRCA2 gene. It is expected to result in an absent or disrupted protein product. Loss-of-function variants in BRCA2 are known to be pathogenic (PMID: 20104584). This variant is not present in population databases (gnomAD no frequency). This premature translational stop signal has been observed in individual(s) with breast and/or ovarian cancer (PMID: 18489799, 25066507). ClinVar contains an entry for this variant (Variation ID: 52564). For these reasons, this variant has been classified as Pathogenic.

Color Diagnostics, LLC DBA Color Health
Classification: Pathogenic for Hereditary cancer-predisposing syndrome. Last evaluated: 2020-01-15. Review status: criteria provided, single submitter. Criteria: ACMG Guidelines, 2015. Collection method: clinical testing. Allele origin: germline. Not counted in ClinVar's aggregate classification.
Comment: This variant changes 1 nucleotide in exon 19 of the BRCA2 gene, creating a premature translation stop signal. This variant is expected to result in an absent or non-functional protein product. This variant has not been identified in the general population by the Genome Aggregation Database (gnomAD). Loss of BRCA2 function is a known mechanism of disease. Based on the available evidence, this variant is classified as Pathogenic.

Quest Diagnostics Nichols Institute San Juan Capistrano
Classification: Pathogenic for Breast-ovarian cancer, familial, susceptibility to, 2. Last evaluated: 2015-11-19. Review status: criteria provided, single submitter. Criteria: Quest Diagnostics criteria. Collection method: clinical testing. Allele origin: germline. Inheritance: Autosomal dominant inheritance. Not counted in ClinVar's aggregate classification.

Consortium of Investigators of Modifiers of BRCA1/2 (CIMBA), c/o University of Cambridge
Classification: Pathogenic for Breast-ovarian cancer, familial, susceptibility to, 2. Last evaluated: 2015-10-02. Review status: criteria provided, single submitter. Criteria: CIMBA Mutation Classification guidelines May 2016. Collection method: clinical testing. Allele origin: germline. Not counted in ClinVar's aggregate classification.

Genesis Genomics
Classification: Pathogenic for Breast-ovarian cancer, familial, susceptibility to, 2. Review status: criteria provided, single submitter. Criteria: ACMG Guidelines, 2015. Collection method: clinical testing. Allele origin: germline. Affected: yes. Observed: 1 variant allele. Not counted in ClinVar's aggregate classification.

CZECANCA consortium
Classification: Pathogenic for Breast and/or ovarian cancer. Last evaluated: 2019-06-11. Review status: no assertion criteria provided. Collection method: clinical testing. Allele origin: germline. Affected: yes. Observed: 2 variant alleles. Not counted in ClinVar's aggregate classification.

Institute of Human Genetics, Medical University Innsbruck
Classification: Pathogenic for Breast-ovarian cancer, familial 2. Last evaluated: 2015-02-11. Review status: no assertion criteria provided. Criteria: clinical testing. Collection method: clinical testing. Allele origin: germline. Affected: yes. Study: BRCA-Tyrol. Not counted in ClinVar's aggregate classification.
Comment: BRCA-mutation spectrum Western Austria

Laboratory of Urology, Hospital Clinic de Barcelona
Classification: Pathogenic for Malignant tumor of urinary bladder. Review status: no assertion criteria provided. Collection method: research. Allele origin: somatic. Affected: yes. Not counted in ClinVar's aggregate classification.

Literature cited by the submitters: PubMed 18489799 (cited by 4 submitters); PubMed 25066507 (cited by 3 submitters); PubMed 26014432 (cited by Mayo Clinic Laboratories, Mayo Clinic and Ambry Genetics); PubMed 23199084 (cited by Ambry Genetics and Quest Diagnostics Nichols Institute San Juan Capistrano); PubMed 20104584 (cited by Labcorp Genetics (formerly Invitae), Labcorp); PubMed 25525159 (cited by Quest Diagnostics Nichols Institute San Juan Capistrano); PubMed 26295337 (cited by Quest Diagnostics Nichols Institute San Juan Capistrano); PubMed 32295079 (cited by CZECANCA consortium).